The following is an entry in ClinVar:

ClinVar aggregate classification (germline): Uncertain significance. Review status: criteria provided, multiple submitters, no conflicts (2 of 4 stars). 2 submissions from 2 submitters: Uncertain significance (2). Last evaluated 2023-04-25.

Conditions:
Dilated cardiomyopathy 1G (CMD1G). Identifiers: Orphanet 154, MedGen C1858763, MONDO:0011400, OMIM 604145.
Autosomal recessive limb-girdle muscular dystrophy type 2J (LGMDR10). Also called: MUSCULAR DYSTROPHY, LIMB-GIRDLE, AUTOSOMAL RECESSIVE 10; Limb-girdle muscular dystrophy, type 2J. Identifiers: Orphanet 140922, MedGen C1837342, MONDO:0012127, OMIM 608807.

Allele frequency attached by ClinVar (database versions not stated): gnomAD exomes below 0.00001.
gnomAD v4.1: 1 of 1,613,840 alleles (0.000062%); highest among the groups gnomAD compares: Admixed American, 0.0017%; no homozygotes.

Submissions (2):

Labcorp Genetics (formerly Invitae), Labcorp
Classification: Uncertain significance for Dilated cardiomyopathy 1G; Autosomal recessive limb-girdle muscular dystrophy type 2J. Last evaluated: 2023-04-25. Review status: criteria provided, single submitter. Criteria: Invitae Variant Classification Sherloc (09022015). Collection method: clinical testing. Allele origin: germline.
Comment: In summary, the available evidence is currently insufficient to determine the role of this variant in disease. Therefore, it has been classified as a Variant of Uncertain Significance. This variant is located in the M band of TTN (PMID: 25589632). Variants in this region may be relevant for neuromuscular disorders, but have not been definitively shown to cause cardiomyopathy (PMID: 23975875). Experimental studies and prediction algorithms are not available or were not evaluated, and the functional significance of this variant is currently unknown. ClinVar contains an entry for this variant (Variation ID: 1027091). This variant has not been reported in the literature in individuals affected with TTN-related conditions. This variant is present in population databases (no rsID available, gnomAD 0.003%). This sequence change replaces leucine, which is neutral and non-polar, with phenylalanine, which is neutral and non-polar, at codon 33653 of the TTN protein (p.Leu33653Phe).

GeneDx
Classification: Uncertain significance. Last evaluated: 2019-05-20. Review status: criteria provided, single submitter. Criteria: GeneDx Variant Classification Process June 2021. Collection method: clinical testing. Allele origin: germline. Affected: yes.

Literature cited by the submitters: PubMed 25589632 (cited by Labcorp Genetics (formerly Invitae), Labcorp); PubMed 23975875 (cited by Labcorp Genetics (formerly Invitae), Labcorp).

NM_001267550.2(TTN):c.100957C>T (p.Leu33653Phe)

Genes: TTN-AS1 (TTN antisense RNA 1; plus strand), TTN (titin; minus strand). Cytogenetic location: 2q31.2.
Variant type: single nucleotide variant.
Coding change: c.100957C>T on transcript NM_001267550.2 (MANE Select); coding-DNA position 100957, C replaced by T.
Protein change: p.Leu33653Phe; replaces leucine 33653 with phenylalanine.
Molecular consequence: missense variant.
Genome position (GRCh38, 1-based): chr2:178,535,658, G>A on the plus strand (C>T on the coding strand, the complement: TTN is on the minus strand). VCF-style: chr2-178535658-G-A. GRCh37 (hg19) VCF-style: chr2-179400385-G-A.
Other names: c.96034C>T, p.Leu32012Phe (NM_001256850.1); c.73762C>T, p.Leu24588Phe (NM_003319.4); c.93253C>T, p.Leu31085Phe (NM_133378.4); c.74137C>T, p.Leu24713Phe (NM_133432.3); c.74338C>T, p.Leu24780Phe (NM_133437.4); short protein forms L24588F, L24713F, L24780F, L31085F, L32012F, L33653F.
Identifiers: ClinVar variation 1027091 (VCV001027091.9), dbSNP rs1178063403, ClinGen allele CA349422277.